The following is an entry in ClinVar:

ClinVar aggregate classification (germline): Likely benign. Review status: criteria provided, multiple submitters, no conflicts (2 of 4 stars). 4 submissions from 4 submitters: Likely benign (3). 1 of the submissions does not count toward it. Last evaluated 2026-01-24.

Conditions:
DIS3L2-related disorder. Also called: DIS3L2-related condition.
Perlman syndrome (PRLMNS). Identifiers: Orphanet 2849, MedGen C0796113, MONDO:0009965, OMIM 267000.

Allele frequency attached by ClinVar (database versions not stated): gnomAD exomes 0.00007; ESP Exome Variant Server 0.00008; ExAC 0.00010; gnomAD 0.00011; TOPMed 0.00011.
gnomAD v4.1: 229 of 1,612,546 alleles (0.014%); highest among the groups gnomAD compares: Non-Finnish European, 0.017%; no homozygotes.

Submissions (4):

Labcorp Genetics (formerly Invitae), Labcorp
Classification: Likely benign for Perlman syndrome. Last evaluated: 2026-01-24. Review status: criteria provided, single submitter. Criteria: Invitae Variant Classification Sherloc (09022015). Collection method: clinical testing. Allele origin: germline.

Blueprint Genetics
Classification: Likely benign. Last evaluated: 2024-08-21. Review status: criteria provided, single submitter. Criteria: ACMG Guidelines, 2015. Collection method: clinical testing. Allele origin: germline.

Sema4
Classification: Likely benign for Perlman syndrome. Last evaluated: 2021-12-13. Review status: criteria provided, single submitter. Criteria: Sema4 Curation Guidelines. Collection method: curation. Allele origin: germline.

PreventionGenetics, part of Exact Sciences
Classification: Likely benign for DIS3L2-related condition. Last evaluated: 2021-04-07. Review status: no assertion criteria provided. Collection method: clinical testing. Allele origin: germline. Not counted in ClinVar's aggregate classification.
Comment: This variant is classified as likely benign based on ACMG/AMP sequence variant interpretation guidelines (Richards et al. 2015 PMID: 25741868, with internal and published modifications).

NM_152383.5(DIS3L2):c.1308G>A (p.Leu436=)

Gene: DIS3L2 (DIS3 like 3'-5' exoribonuclease 2; plus strand). Cytogenetic location: 2q37.1.
Variant type: single nucleotide variant.
Coding change: c.1308G>A on transcript NM_152383.5 (MANE Select); coding-DNA position 1308, G replaced by A.
Protein change: p.Leu436=; no amino-acid change (leucine 436 retained).
Molecular consequence: synonymous variant. On other transcripts: non-coding transcript variant (2).
Genome position (GRCh38, 1-based): chr2:232,238,636, G>A. VCF-style: chr2-232238636-G-A. GRCh37 (hg19) VCF-style: chr2-233103346-G-A.
Other names: c.1308G>A, p.Leu436= (NM_001257281.2).
Identifiers: ClinVar variation 463058 (VCV000463058.15), dbSNP rs369878019, ClinGen allele CA2164103.